The following is an entry in ClinVar:

NM_206933.4(USH2A):c.7452G>T (p.Glu2484Asp)

Gene: USH2A (usherin; minus strand). Cytogenetic location: 1q41.
Variant type: single nucleotide variant.
Coding change: c.7452G>T on transcript NM_206933.4 (MANE Select); coding-DNA position 7452, G replaced by T.
Protein change: p.Glu2484Asp; replaces glutamic acid 2484 with aspartic acid.
Molecular consequence: missense variant.
Genome position (GRCh38, 1-based): chr1:215,900,217, C>A on the plus strand (G>T on the coding strand, the complement: USH2A is on the minus strand). VCF-style: chr1-215900217-C-A. GRCh37 (hg19) VCF-style: chr1-216073559-C-A.
Other names: short protein forms E2484D.
Identifiers: ClinVar variation 48583 (VCV000048583.7), dbSNP rs397518031, ClinGen allele CA143595.
Genomic context (GRCh38, chr1:215,900,217, plus strand): 5'-TGTGTACGGTTGGAGATCACTCACTTCATAGCTTAACGATGCAGAAGGATTGGAAAATAA[C>A]CTGTATGGGAAATAAATGTCAATTAGGAAGTTTTCGACATTCAAAGAAATAAAAGCAAGT-3'
Protein context (NP_996816.3, residues 2474-2494): RSGDSTHGFL[Glu2484Asp]LFSNPSASLS

ClinVar aggregate classification (germline): Uncertain significance. Review status: criteria provided, multiple submitters, no conflicts (2 of 4 stars). 4 submissions from 3 submitters: Uncertain significance (3). 1 of the submissions does not count toward it. Last evaluated 2023-11-04.

Conditions:
Retinitis pigmentosa 39 (RP39). Identifiers: Orphanet 791, MedGen C3151138, MONDO:0013436, OMIM 613809.
Usher syndrome type 2A. Also called: RETINAL DISEASE IN USHER SYNDROME TYPE IIA, MODIFIER OF; USHER SYNDROME, TYPE IIA. Identifiers: Orphanet 231178, Orphanet 886, MedGen C1848634, MONDO:0010169, OMIM 276901.

Allele frequency attached by ClinVar (database versions not stated): TOPMed below 0.00001.
gnomAD v4.1: 4 of 1,613,244 alleles (0.00025%); highest among the groups gnomAD compares: East Asian, 0.0045%; no homozygotes.

Submissions (4):

Genome-Nilou Lab
Classification: Uncertain significance for Retinitis pigmentosa 39. Last evaluated: 2023-11-04. Review status: criteria provided, single submitter. Criteria: ACMG Guidelines, 2015. Collection method: clinical testing. Allele origin: germline. Affected: no.

Genome-Nilou Lab
Classification: Uncertain significance for Usher syndrome type 2A. Last evaluated: 2023-11-04. Review status: criteria provided, single submitter. Criteria: ACMG Guidelines, 2015. Collection method: clinical testing. Allele origin: germline. Affected: no.

Laboratory for Molecular Medicine, Mass General Brigham Personalized Medicine
Classification: Uncertain significance. Last evaluated: 2011-03-08. Review status: criteria provided, single submitter. Criteria: LMM Criteria. Collection method: clinical testing. Allele origin: germline. Observed: 1 variant allele.
Comment: The Glu2484Asp variant in USH2A has not been reported in the literature nor prev iously identified by our laboratory. Computational analyses (biochemical amino a cid properties, homology, PolyPhen2, SIFT, AlignGVGD) do not provide strong supp ort for or against pathogenicity. Although this variant also occurs within the s plice consensus sequence, it does not predict a significant enough impact to the splice sequence to assume it is pathogenic. In summary, the clinical significan ce of this variant cannot be determined with certainty at this time.

Counsyl
Classification: Uncertain significance for Usher syndrome type 2A; Retinitis pigmentosa 39. Last evaluated: 2017-03-31. Review status: no assertion criteria provided. Collection method: clinical testing. Allele origin: unknown. Not counted in ClinVar's aggregate classification.